The following is an entry in ClinVar:

ClinVar aggregate classification (germline): Uncertain significance. Review status: criteria provided, multiple submitters, no conflicts (2 of 4 stars). 2 submissions from 2 submitters: Uncertain significance (2). Last evaluated 2026-09-14.

Conditions:
Desmin-related myofibrillar myopathy (MFM1). Also called: Desminopathy; Desmin related myopathy (former name); Desmin storage myopathy (former name); MYOFIBRILLAR MYOPATHY WITH ARRHYTHMOGENIC RIGHT VENTRICULAR CARDIOMYOPATHY; DESMIN-RELATED MYOPATHY WITH ARRHYTHMOGENIC RIGHT VENTRICULAR CARDIOMYOPATHY; Myofibrillar myopathy 1. Identifiers: Orphanet 363543, Orphanet 98909, MedGen C1832370, MONDO:0011076, OMIM 601419.
Cardiovascular phenotype. Identifiers: MedGen CN230736.

Submissions (2):

Ambry Genetics
Classification: Uncertain significance for Cardiovascular phenotype. Last evaluated: 2026-09-14. Review status: criteria provided, single submitter. Criteria: Ambry Variant Classification Scheme 2023. Collection method: clinical testing. Allele origin: germline.
Comment: The p.Q364R variant (also known as c.1091A>G), located in coding exon 6 of the DES gene, results from an A to G substitution at nucleotide position 1091. The glutamine at codon 364 is replaced by arginine, an amino acid with highly similar properties. This amino acid position is conserved. In addition, this alteration is predicted to be deleterious by in silico analysis. Based on the available evidence, the clinical significance of this variant remains unclear.

Labcorp Genetics (formerly Invitae), Labcorp
Classification: Uncertain significance for Desmin-related myofibrillar myopathy. Last evaluated: 2025-07-23. Review status: criteria provided, single submitter. Criteria: Invitae Variant Classification Sherloc (09022015). Collection method: clinical testing. Allele origin: germline.
Comment: This sequence change replaces glutamine, which is neutral and polar, with arginine, which is basic and polar, at codon 364 of the DES protein (p.Gln364Arg). This variant is not present in population databases (gnomAD no frequency). This variant has not been reported in the literature in individuals affected with DES-related conditions. Invitae Evidence Modeling of protein sequence and biophysical properties (such as structural, functional, and spatial information, amino acid conservation, physicochemical variation, residue mobility, and thermodynamic stability) has been performed for this missense variant. However, the output from this modeling did not meet the statistical confidence thresholds required to predict the impact of this variant on DES protein function. In summary, the available evidence is currently insufficient to determine the role of this variant in disease. Therefore, it has been classified as a Variant of Uncertain Significance.

NM_001927.4(DES):c.1091A>G (p.Gln364Arg)

Gene: DES (desmin; plus strand). Cytogenetic location: 2q35.
Variant type: single nucleotide variant.
Coding change: c.1091A>G on transcript NM_001927.4 (MANE Select); coding-DNA position 1091, A replaced by G.
Protein change: p.Gln364Arg; replaces glutamine 364 with arginine.
Molecular consequence: missense variant. On other transcripts: splice acceptor variant (1), intron variant (1).
Genome position (GRCh38, 1-based): chr2:219,421,407, A>G. VCF-style: chr2-219421407-A-G. GRCh37 (hg19) VCF-style: chr2-220286129-A-G.
Other names: c.1088A>G, p.Gln363Arg (NM_001382708.1); c.1070A>G, p.Gln357Arg (NM_001382711.1); c.1091A>G, p.Gln364Arg (NM_001382712.1); c.821A>G, p.Gln274Arg (NM_001382713.1); c.1024-2A>G (NM_001382710.1); c.736-77A>G (NM_001382709.1); short protein forms Q274R, Q364R, Q363R, Q357R.
Identifiers: ClinVar variation 4783736 (VCV004783736.2).